The following is an entry in ClinVar:

ClinVar aggregate classification (germline): Uncertain significance (1 of 4 stars; one submission).

Submission:

CeGaT Center for Human Genetics Tuebingen
Classification: Uncertain significance. Last evaluated: 2026-07-01. Review status: criteria provided, single submitter. Criteria: CeGaT Center For Human Genetics Tuebingen Variant Classification Criteria Version 2. Collection method: clinical testing. Allele origin: germline. Affected: yes. Observed: 1 variant allele.
Comment: PIK3C2A: PM2, BP4

NM_002645.4(PIK3C2A):c.2008G>T (p.Ala670Ser)

Gene: PIK3C2A (phosphatidylinositol-4-phosphate 3-kinase catalytic subunit type 2 alpha; minus strand). Cytogenetic location: 11p15.1.
Variant type: single nucleotide variant.
Coding change: c.2008G>T on transcript NM_002645.4 (MANE Select); coding-DNA position 2008, G replaced by T.
Protein change: p.Ala670Ser; replaces alanine 670 with serine.
Molecular consequence: missense variant.
Genome position (GRCh38, 1-based): chr11:17,134,919, C>A on the plus strand (G>T on the coding strand, the complement: PIK3C2A is on the minus strand). VCF-style: chr11-17134919-C-A. GRCh37 (hg19) VCF-style: chr11-17156466-C-A.
Other names: c.2008G>T, p.Ala670Ser (NM_001321378.2, NM_001386870.1); c.868G>T, p.Ala290Ser (NM_001321380.2); short protein forms A290S, A670S.
Identifiers: ClinVar variation 5039363 (VCV005039363.1).
Genomic context (GRCh38, chr11:17,134,919, plus strand): 5'-TAGTAAACTGGAGCTGCTCTGTTGTAGTCCATGCTTCCTTGACACTCTTGCTACTTTGGG[C>A]ACAGTCTGTAGGACTCCTACCAGAATTTGCATGGAGTCTGAGAAGATCATAAATTGCTGC-3'
Protein context (NP_002636.2, residues 660-680): ANSGRSPTDC[Ala670Ser]QSSKSVKEAW